The following is an entry in ClinVar:

NM_001364905.1(LRBA):c.2340A>G (p.Thr780=)

Gene: LRBA (LPS responsive beige-like anchor protein; minus strand). Cytogenetic location: 4q31.3.
Variant type: single nucleotide variant.
Coding change: c.2340A>G on transcript NM_001364905.1 (MANE Select); coding-DNA position 2340, A replaced by G.
Protein change: p.Thr780=; no amino-acid change (threonine 780 retained).
Molecular consequence: synonymous variant.
Genome position (GRCh38, 1-based): chr4:150,871,372, T>C on the plus strand (A>G on the coding strand, the complement: LRBA is on the minus strand). VCF-style: chr4-150871372-T-C. GRCh37 (hg19) VCF-style: chr4-151792524-T-C.
Other names: p.Thr780=; c.2340A>G, p.Thr780= (NM_001199282.3, NM_001367550.1, NM_006726.5).
Identifiers: ClinVar variation 289382 (VCV000289382.68), dbSNP rs79392371, ClinGen allele CA3103297.

ClinVar aggregate classification (germline): Conflicting classifications of pathogenicity. Review status: criteria provided, conflicting classifications (1 of 4 stars). 9 submissions from 9 submitters: Uncertain significance (1); Benign (1); Likely benign (4). 3 of the submissions do not count toward it. Last evaluated 2026-02-02.

Conditions:
LRBA-related disorder. Also called: LRBA-related condition.
Combined immunodeficiency due to LRBA deficiency. Also called: Common variable immunodeficiency 8, with autoimmunity. Identifiers: Orphanet 445018, MedGen C3553512, MONDO:0013863, OMIM 614700.

Allele frequency attached by ClinVar (database versions not stated): 1000 Genomes Project 0.00060; 1000 Genomes Project 30x 0.00062; ExAC 0.00091; gnomAD exomes 0.00102 and 0.00244; TOPMed 0.00104; ESP Exome Variant Server 0.00115; gnomAD 0.00119 and 0.00127.
gnomAD v4.1: 3,643 of 1,610,266 alleles (0.23%); highest among the groups gnomAD compares: Non-Finnish European, 0.3%; 8 homozygotes.

Submissions (9):

Labcorp Genetics (formerly Invitae), Labcorp
Classification: Benign for Combined immunodeficiency due to LRBA deficiency. Last evaluated: 2026-02-02. Review status: criteria provided, single submitter. Criteria: Invitae Variant Classification Sherloc (09022015). Collection method: clinical testing. Allele origin: germline.

Mayo Clinic Laboratories, Mayo Clinic
Classification: Likely benign. Last evaluated: 2025-01-28. Review status: criteria provided, single submitter. Criteria: ACMG Guidelines, 2015. Collection method: clinical testing. Allele origin: germline. Observed: 6 variant alleles.
Comment: BS1, BP4, BP7

Blueprint Genetics
Classification: Likely benign. Last evaluated: 2024-11-21. Review status: criteria provided, single submitter. Criteria: ACMG Guidelines, 2015. Collection method: clinical testing. Allele origin: germline.

CeGaT Center for Human Genetics Tuebingen
Classification: Likely benign. Last evaluated: 2024-01-01. Review status: criteria provided, single submitter. Criteria: CeGaT Center For Human Genetics Tuebingen Variant Classification Criteria Version 2. Collection method: clinical testing. Allele origin: germline. Affected: yes. Observed: 3 variant alleles.
Comment: LRBA: BP4, BP7

ARUP Laboratories, Molecular Genetics and Genomics, ARUP Laboratories
Classification: Likely benign for Combined immunodeficiency due to LRBA deficiency. Last evaluated: 2023-10-17. Review status: criteria provided, single submitter. Criteria: ARUP Molecular Germline Variant Investigation Process 2024. Collection method: clinical testing. Allele origin: germline.

Eurofins Ntd Llc (ga)
Classification: Uncertain significance. Last evaluated: 2016-07-13. Review status: criteria provided, single submitter. Criteria: EGL Classification Definitions 2015. Collection method: clinical testing. Allele origin: germline. Observed: 1 variant allele, 1 heterozygote.

PreventionGenetics, part of Exact Sciences
Classification: Likely benign for LRBA-related condition. Last evaluated: 2019-09-04. Review status: no assertion criteria provided. Collection method: clinical testing. Allele origin: germline. Not counted in ClinVar's aggregate classification.
Comment: This variant is classified as likely benign based on ACMG/AMP sequence variant interpretation guidelines (Richards et al. 2015 PMID: 25741868, with internal and published modifications).

Clinical Genetics DNA and cytogenetics Diagnostics Lab, Erasmus MC, Erasmus Medical Center
Classification: Likely benign. Review status: no assertion criteria provided. Collection method: clinical testing. Allele origin: germline. Affected: yes. Study: VKGL Data-share Consensus. Not counted in ClinVar's aggregate classification.

Genome Diagnostics Laboratory, University Medical Center Utrecht
Classification: Likely benign. Review status: no assertion criteria provided. Collection method: clinical testing. Allele origin: germline. Affected: yes. Study: VKGL Data-share Consensus. Not counted in ClinVar's aggregate classification.